The following is an entry in ClinVar:

NM_001182.5(ALDH7A1):c.574A>G (p.Thr192Ala)

Gene: ALDH7A1 (aldehyde dehydrogenase 7 family member A1; minus strand). Cytogenetic location: 5q23.2.
Variant type: single nucleotide variant.
Coding change: c.574A>G on transcript NM_001182.5 (MANE Select); coding-DNA position 574, A replaced by G.
Protein change: p.Thr192Ala; replaces threonine 192 with alanine.
Molecular consequence: missense variant.
Genome position (GRCh38, 1-based): chr5:126,577,155, T>C on the plus strand (A>G on the coding strand, the complement: ALDH7A1 is on the minus strand). VCF-style: chr5-126577155-T-C. GRCh37 (hg19) VCF-style: chr5-125912847-T-C.
Other names: c.490A>G, p.Thr164Ala (NM_001201377.2); c.574A>G, p.Thr192Ala (NM_001202404.2); short protein forms T164A, T192A.
Identifiers: ClinVar variation 940497 (VCV000940497.10), dbSNP rs1751003876, ClinGen allele CA360731137.

ClinVar aggregate classification (germline): Uncertain significance (1 of 4 stars; one submission).

Conditions:
Pyridoxine-dependent epilepsy (EPEO4). Also called: PYRIDOXINE DEPENDENCY WITH SEIZURES; Pyridoxine-Dependent Epilepsy - ALDH7A1; EPILEPSY, EARLY-ONSET, 4, VITAMIN B6-DEPENDENT; Pyridoxine-Dependent Seizures. Identifiers: Orphanet 3006, MedGen C1849508, MONDO:0009945, OMIM 266100. Disease mechanism: loss of function.

Submission:

Labcorp Genetics (formerly Invitae), Labcorp
Classification: Uncertain significance for Pyridoxine-dependent epilepsy. Last evaluated: 2019-09-17. Review status: criteria provided, single submitter. Criteria: Invitae Variant Classification Sherloc (09022015). Collection method: clinical testing. Allele origin: germline.
Comment: In summary, the available evidence is currently insufficient to determine the role of this variant in disease. Therefore, it has been classified as a Variant of Uncertain Significance. Algorithms developed to predict the effect of missense changes on protein structure and function are either unavailable or do not agree on the potential impact of this missense change (SIFT: "Deleterious"; PolyPhen-2: "Benign"; Align-GVGD: "Class C0"). This variant has not been reported in the literature in individuals with ALDH7A1-related conditions. This variant is not present in population databases (ExAC no frequency). This sequence change replaces threonine with alanine at codon 192 of the ALDH7A1 protein (p.Thr192Ala). The threonine residue is moderately conserved and there is a small physicochemical difference between threonine and alanine.